The following is an entry in ClinVar:

NM_002769.5(PRSS1):c.267T>A (p.Asn89Lys)

Genes: TRB (T cell receptor beta locus; plus strand), PRSS1 (serine protease 1; plus strand). Cytogenetic location: 7q34.
Variant type: single nucleotide variant.
Coding change: c.267T>A on transcript NM_002769.5 (MANE Select); coding-DNA position 267, T replaced by A.
Protein change: p.Asn89Lys; replaces asparagine 89 with lysine.
Molecular consequence: missense variant. On other transcripts: non-coding transcript variant (4).
Genome position (GRCh38, 1-based): chr7:142,751,840, T>A. VCF-style: chr7-142751840-T-A. GRCh37 (hg19) VCF-style: chr7-142459691-T-A.
Other names: short protein forms N89K.
Identifiers: ClinVar variation 1794676 (VCV001794676.2), dbSNP rs779618969, ClinGen allele CA4529898.

ClinVar aggregate classification (germline): Uncertain significance (1 of 4 stars; one submission).

Conditions:
Hereditary pancreatitis (PCTT). Also called: Hereditary chronic pancreatitis; PRSS1-Related Hereditary Pancreatitis. Identifiers: Orphanet 676, MedGen C0238339, MONDO:0008185, OMIM 167800.

gnomAD v4.1: 1 of 1,614,086 alleles (0.000062%); no homozygotes.

Submission:

Ambry Genetics
Classification: Uncertain significance for Hereditary pancreatitis. Last evaluated: 2022-02-07. Review status: criteria provided, single submitter. Criteria: Ambry Variant Classification Scheme 2023. Collection method: clinical testing. Allele origin: germline.
Comment: The p.N89K variant (also known as c.267T>A), located in coding exon 3 of the PRSS1 gene, results from a T to A substitution at nucleotide position 267. The asparagine at codon 89 is replaced by lysine, an amino acid with similar properties. This amino acid position is conserved. In addition, this alteration is predicted to be tolerated by in silico analysis. Since supporting evidence is limited at this time, the clinical significance of this alteration remains unclear.